The following is an entry in ClinVar:

NM_002519.3(NPAT):c.3458C>A (p.Thr1153Lys)

Gene: NPAT (nuclear protein, coactivator of histone transcription; minus strand). Cytogenetic location: 11q22.3.
Variant type: single nucleotide variant.
Coding change: c.3458C>A on transcript NM_002519.3 (MANE Select); coding-DNA position 3458, C replaced by A.
Protein change: p.Thr1153Lys; replaces threonine 1153 with lysine.
Molecular consequence: missense variant.
Genome position (GRCh38, 1-based): chr11:108,161,628, G>T on the plus strand (C>A on the coding strand, the complement: NPAT is on the minus strand). VCF-style: chr11-108161628-G-T. GRCh37 (hg19) VCF-style: chr11-108032355-G-T.
Other names: c.3479C>A, p.Thr1160Lys (NM_001321307.1); short protein forms T1160K, T1153K.
Identifiers: ClinVar variation 2614941 (VCV002614941.2), dbSNP rs2496695906, ClinGen allele CA382510770.

ClinVar aggregate classification (germline): Uncertain significance (1 of 4 stars; one submission).

gnomAD v4.1: 1 of 1,614,092 alleles (0.000062%); highest among the groups gnomAD compares: Non-Finnish European, 0.000085%; no homozygotes.

Submission:

Ambry Genetics
Classification: Uncertain significance. Last evaluated: 2023-06-21. Review status: criteria provided, single submitter. Criteria: Ambry Variant Classification Scheme 2023. Collection method: clinical testing. Allele origin: germline.
Comment: The p.T1153K variant (also known as c.3458C>A), located in coding exon 17 of the NPAT gene, results from a C to A substitution at nucleotide position 3458. The threonine at codon 1153 is replaced by lysine, an amino acid with similar properties. This amino acid position is conserved. In addition, this alteration is predicted to be tolerated by in silico analysis. Since supporting evidence is limited at this time, the clinical significance of this alteration remains unclear.